The following is an entry in ClinVar:

NM_004817.4(TJP2):c.2277A>C (p.Lys759Asn)

Gene: TJP2 (tight junction protein 2; plus strand). Cytogenetic location: 9q21.11.
Variant type: single nucleotide variant.
Coding change: c.2277A>C on transcript NM_004817.4 (MANE Select); coding-DNA position 2277, A replaced by C.
Protein change: p.Lys759Asn; replaces lysine 759 with asparagine.
Molecular consequence: missense variant.
Genome position (GRCh38, 1-based): chr9:69,238,711, A>C. VCF-style: chr9-69238711-A-C. GRCh37 (hg19) VCF-style: chr9-71853627-A-C.
Other names: c.2208A>C, p.Lys736Asn (NM_001170414.2, NM_001369871.1); c.2289A>C, p.Lys763Asn (NM_001170415.1, NM_001369874.1, NM_001369875.1); c.2370A>C, p.Lys790Asn (NM_001170416.2); c.2202A>C, p.Lys734Asn (NM_001369870.1); c.2277A>C, p.Lys759Asn (NM_001369872.1, NM_001369873.1, NM_201629.3 and 1 more transcripts); c.2277A>C (NM_004817.3); short protein forms K759N, K736N, K763N, K790N, K734N.
Identifiers: ClinVar variation 595784 (VCV000595784.7), dbSNP rs144429323, ClinGen allele CA5073633.

ClinVar aggregate classification (germline): Uncertain significance. Review status: criteria provided, multiple submitters, no conflicts (2 of 4 stars). 3 submissions from 3 submitters: Uncertain significance (3). Last evaluated 2026-06-08.

Conditions:
Inborn genetic diseases. Identifiers: MedGen C0950123, MeSH D030342.
TJP2-related disorder. Also called: TJP2-related condition.

Allele frequency attached by ClinVar (database versions not stated): gnomAD exomes 0.00002; ExAC 0.00005; 1000 Genomes Project 30x 0.00016; TOPMed 0.00017; gnomAD 0.00018 and 0.00019; 1000 Genomes Project 0.00020; ESP Exome Variant Server 0.00031.
gnomAD v4.1: 55 of 1,613,660 alleles (0.0034%); highest among the groups gnomAD compares: African/African-American, 0.059%; no homozygotes.

Submissions (3):

PreventionGenetics, part of Exact Sciences
Classification: Uncertain significance for TJP2-related condition. Last evaluated: 2026-06-08. Review status: criteria provided, single submitter. Criteria: ACMG Guidelines, 2015. Collection method: clinical testing. Allele origin: germline.
Comment: The TJP2 c.2277A>C variant is predicted to result in the amino acid substitution p.Lys759Asn. To our knowledge, this variant has not been reported in the literature. This variant is reported in 0.040% of alleles in individuals of African descent in gnomAD. At this time, the clinical significance of this variant is uncertain due to the absence of conclusive functional and genetic evidence.

Ambry Genetics
Classification: Uncertain significance for Inborn genetic diseases. Last evaluated: 2024-04-12. Review status: criteria provided, single submitter. Criteria: Ambry Variant Classification Scheme 2023. Collection method: clinical testing. Allele origin: germline.

Eurofins Ntd Llc (ga)
Classification: Uncertain significance. Last evaluated: 2018-01-19. Review status: criteria provided, single submitter. Criteria: EGL Classification Definitions 2015. Collection method: clinical testing. Allele origin: germline. Observed: 1 variant allele, 1 heterozygote.